The following is an entry in ClinVar:

ClinVar aggregate classification (germline): Benign. Review status: criteria provided, multiple submitters, no conflicts (2 of 4 stars). 4 submissions from 4 submitters: Benign (3). 1 of the submissions does not count toward it. Last evaluated 2023-11-08.

Conditions:
FDXR-related disorder. Also called: FDXR-related condition; FDXR-related disorders.

Allele frequency attached by ClinVar (database versions not stated): gnomAD exomes 0.00073 and 0.00188; ExAC 0.00257; 1000 Genomes Project 0.00639; 1000 Genomes Project 30x 0.00750; TOPMed 0.00834; gnomAD 0.00835; ESP Exome Variant Server 0.00846.
gnomAD v4.1: 2,283 of 1,614,000 alleles (0.14%); highest among the groups gnomAD compares: African/African-American, 2.7%; 31 homozygotes.

Submissions (4):

Mayo Clinic Laboratories, Mayo Clinic
Classification: Benign. Last evaluated: 2023-11-08. Review status: criteria provided, single submitter. Criteria: ACMG Guidelines, 2015. Collection method: clinical testing. Allele origin: germline. Observed: 3 variant alleles.
Comment: BA1, BS2, BP4

Labcorp Genetics (formerly Invitae), Labcorp
Classification: Benign. Last evaluated: 2019-12-31. Review status: criteria provided, single submitter. Criteria: Invitae Variant Classification Sherloc (09022015). Collection method: clinical testing. Allele origin: germline.

Breakthrough Genomics
Classification: Benign. Review status: criteria provided, single submitter. Criteria: ACMG Guidelines, 2015. Collection method: not provided. Allele origin: germline. Inheritance: Autosomal recessive inheritance. Affected: yes.

PreventionGenetics, part of Exact Sciences
Classification: Benign for FDXR-related condition. Last evaluated: 2020-06-12. Review status: no assertion criteria provided. Collection method: clinical testing. Allele origin: germline. Not counted in ClinVar's aggregate classification.
Comment: This variant is classified as benign based on ACMG/AMP sequence variant interpretation guidelines (Richards et al. 2015 PMID: 25741868, with internal and published modifications).

NM_024417.5(FDXR):c.1034C>T (p.Thr345Met)

Gene: FDXR (ferredoxin reductase; minus strand). Cytogenetic location: 17q25.1.
Variant type: single nucleotide variant.
Coding change: c.1034C>T on transcript NM_024417.5 (MANE Select); coding-DNA position 1034, C replaced by T.
Protein change: p.Thr345Met; replaces threonine 345 with methionine.
Molecular consequence: missense variant. On other transcripts: non-coding transcript variant (1).
Genome position (GRCh38, 1-based): chr17:74,864,036, G>A on the plus strand (C>T on the coding strand, the complement: FDXR is on the minus strand). VCF-style: chr17-74864036-G-A. GRCh37 (hg19) VCF-style: chr17-72860158-G-A.
Other names: p.Thr345Met; c.1163C>T, p.Thr388Met (NM_001258012.4); c.1127C>T, p.Thr376Met (NM_001258013.4); c.1010C>T, p.Thr337Met (NM_001258014.4); c.914C>T, p.Thr305Met (NM_001258015.3); c.878C>T, p.Thr293Met (NM_001258016.3); c.1052C>T, p.Thr351Met (NM_004110.6); c.1034C>T (NM_024417.4); short protein forms T345M, T351M, T305M, T376M, T388M, T293M, T337M.
Identifiers: ClinVar variation 787993 (VCV000787993.8), dbSNP rs35660143, ClinGen allele CA8752936.